The following is an entry in ClinVar:

ClinVar aggregate classification (germline): Uncertain significance. Review status: criteria provided, multiple submitters, no conflicts (2 of 4 stars). 2 submissions from 2 submitters: Uncertain significance (2). Last evaluated 2025-04-16.

Submissions (2):

Ambry Genetics
Classification: Uncertain significance. Last evaluated: 2025-04-16. Review status: criteria provided, single submitter. Criteria: Ambry Variant Classification Scheme 2023. Collection method: clinical testing. Allele origin: germline.

Labcorp Genetics (formerly Invitae), Labcorp
Classification: Uncertain significance. Last evaluated: 2025-01-27. Review status: criteria provided, single submitter. Criteria: Invitae Variant Classification Sherloc (09022015). Collection method: clinical testing. Allele origin: germline.
Comment: This sequence change replaces lysine, which is basic and polar, with glutamic acid, which is acidic and polar, at codon 579 of the PIK3C2A protein (p.Lys579Glu). This variant is not present in population databases (gnomAD no frequency). This variant has not been reported in the literature in individuals affected with PIK3C2A-related conditions. An algorithm developed to predict the effect of missense changes on protein structure and function (PolyPhen-2) suggests that this variant is likely to be tolerated. In summary, the available evidence is currently insufficient to determine the role of this variant in disease. Therefore, it has been classified as a Variant of Uncertain Significance.

NM_002645.4(PIK3C2A):c.1735A>G (p.Lys579Glu)

Gene: PIK3C2A (phosphatidylinositol-4-phosphate 3-kinase catalytic subunit type 2 alpha; minus strand). Cytogenetic location: 11p15.1.
Variant type: single nucleotide variant.
Coding change: c.1735A>G on transcript NM_002645.4 (MANE Select); coding-DNA position 1735, A replaced by G.
Protein change: p.Lys579Glu; replaces lysine 579 with glutamic acid.
Molecular consequence: missense variant.
Genome position (GRCh38, 1-based): chr11:17,136,595, T>C on the plus strand (A>G on the coding strand, the complement: PIK3C2A is on the minus strand). VCF-style: chr11-17136595-T-C. GRCh37 (hg19) VCF-style: chr11-17158142-T-C.
Other names: c.1735A>G, p.Lys579Glu (NM_001321378.2, NM_001386870.1); c.595A>G, p.Lys199Glu (NM_001321380.2); c.1735A>G (NM_002645.2); short protein forms K199E, K579E.
Identifiers: ClinVar variation 3692363 (VCV003692363.3).